The following is an entry in ClinVar:

ClinVar aggregate classification (germline): Uncertain significance (1 of 4 stars; one submission).

Conditions:
Focal segmental glomerulosclerosis 6 (FSGS6). Identifiers: Orphanet 656, MedGen C3279905, MONDO:0013589, OMIM 614131.

Submission:

Juno Genomics, Hangzhou Juno Genomics, Inc
Classification: Uncertain significance for Focal segmental glomerulosclerosis 6. Review status: criteria provided, single submitter. Criteria: ACMG Guidelines, 2015. Collection method: clinical testing. Allele origin: germline.
Comment: Absent from controls (or at extremely low frequency if recessive) in Genome Aggregation Database.;Multiple lines of computational evidence support a deleterious effect on the gene or gene product.

NM_004998.4(MYO1E):c.88A>T (p.Ile30Phe)

Gene: MYO1E (myosin IE; minus strand). Cytogenetic location: 15q22.2.
Variant type: single nucleotide variant.
Coding change: c.88A>T on transcript NM_004998.4 (MANE Select); coding-DNA position 88, A replaced by T.
Protein change: p.Ile30Phe; replaces isoleucine 30 with phenylalanine.
Molecular consequence: missense variant.
Genome position (GRCh38, 1-based): chr15:59,272,365, T>A on the plus strand (A>T on the coding strand, the complement: MYO1E is on the minus strand). VCF-style: chr15-59272365-T-A. GRCh37 (hg19) VCF-style: chr15-59564564-T-A.
Other names: short protein forms I30F.
Identifiers: ClinVar variation 5005440 (VCV005005440.2).